The following is an entry in ClinVar:

NM_006031.6(PCNT):c.3662C>G (p.Thr1221Ser)

Gene: PCNT (pericentrin; plus strand). Cytogenetic location: 21q22.3.
Variant type: single nucleotide variant.
Coding change: c.3662C>G on transcript NM_006031.6 (MANE Select); coding-DNA position 3662, C replaced by G.
Protein change: p.Thr1221Ser; replaces threonine 1221 with serine.
Molecular consequence: missense variant.
Genome position (GRCh38, 1-based): chr21:46,389,253, C>G. VCF-style: chr21-46389253-C-G. GRCh37 (hg19) VCF-style: chr21-47809168-C-G.
Other names: c.3308C>G, p.Thr1103Ser (NM_001315529.2); short protein forms T1221S, T1103S.
Identifiers: ClinVar variation 4991208 (VCV004991208.1).

ClinVar aggregate classification (germline): Uncertain significance (1 of 4 stars; one submission).

Conditions:
PCNT-related disorder. Also called: PCNT-related condition.

Submission:

PreventionGenetics, part of Exact Sciences
Classification: Uncertain significance for PCNT-related condition. Last evaluated: 2026-02-02. Review status: criteria provided, single submitter. Criteria: ACMG Guidelines, 2015. Collection method: clinical testing. Allele origin: germline.
Comment: The PCNT c.3662C>G variant is predicted to result in the amino acid substitution p.Thr1221Ser. To our knowledge, this variant has not been reported in the literature or in a large population database (gnomAD), indicating this variant is rare. At this time, the clinical significance of this variant is uncertain due to the absence of conclusive functional and genetic evidence.